The following is an entry in ClinVar:

NM_014270.5(SLC7A9):c.1059C>T (p.Pro353=)

Gene: SLC7A9 (solute carrier family 7 member 9; minus strand). Cytogenetic location: 19q13.11.
Variant type: single nucleotide variant.
Coding change: c.1059C>T on transcript NM_014270.5 (MANE Select); coding-DNA position 1059, C replaced by T.
Protein change: p.Pro353=; no amino-acid change (proline 353 retained).
Molecular consequence: synonymous variant.
Genome position (GRCh38, 1-based): chr19:32,843,870, G>A on the plus strand (C>T on the coding strand, the complement: SLC7A9 is on the minus strand). VCF-style: chr19-32843870-G-A. GRCh37 (hg19) VCF-style: chr19-33334776-G-A.
Other names: c.1059C>T, p.Pro353= (NM_001126335.2, NM_001243036.2).
Identifiers: ClinVar variation 328749 (VCV000328749.18), dbSNP rs139388814, ClinGen allele CA9358520.
Genomic context (GRCh38, chr19:32,843,870, plus strand): 5'-GTGTCCCCGCCTTGAAGATAGGCTGGTAGCGGGATTTGTACTCACATAAAAGATGATGGC[G>A]GGGGCTGGAGTGAGGCGCCTGACGCTGATGTAAGAAAGCACTTTGAGCATGTGACCCTCC-3'
Protein context (NP_055085.1, residues 343-363): YISVRRLTPA[Pro353=]AIIFYGIIAT

ClinVar aggregate classification (germline): Conflicting classifications of pathogenicity. Review status: criteria provided, conflicting classifications (1 of 4 stars). 4 submissions from 4 submitters: Uncertain significance (1); Benign (1); Likely benign (1). 1 of the submissions does not count toward it. Last evaluated 2026-01-11.

Conditions:
SLC7A9-related disorder. Also called: SLC7A9-related condition.
Cystinuria (CSNU). Also called: Cystinuria, non-type I; CYSTINURIA, TYPE I; CYSTINURIA, TYPE II; CYSTINURIA, TYPE III. Identifiers: Orphanet 214, MedGen C0010691, MONDO:0009067, OMIM 220100, HP:0003131.

Allele frequency attached by ClinVar (database versions not stated): TOPMed 0.00062; gnomAD 0.00069 and 0.00079; ESP Exome Variant Server 0.00085; 1000 Genomes Project 30x 0.00219; 1000 Genomes Project 0.00260.
gnomAD v4.1: 1,757 of 1,613,090 alleles (0.11%); highest among the groups gnomAD compares: South Asian, 0.6%; 9 homozygotes.

Submissions (4):

Labcorp Genetics (formerly Invitae), Labcorp
Classification: Benign. Last evaluated: 2026-01-11. Review status: criteria provided, single submitter. Criteria: Invitae Variant Classification Sherloc (09022015). Collection method: clinical testing. Allele origin: germline.

Blueprint Genetics
Classification: Likely benign. Last evaluated: 2024-11-25. Review status: criteria provided, single submitter. Criteria: ACMG Guidelines, 2015. Collection method: clinical testing. Allele origin: germline.

Illumina Laboratory Services, Illumina
Classification: Uncertain significance for Cystinuria. Last evaluated: 2018-01-13. Review status: criteria provided, single submitter. Criteria: ICSL Variant Classification Criteria 13 December 2019. Collection method: clinical testing. Allele origin: germline.

PreventionGenetics, part of Exact Sciences
Classification: Likely benign for SLC7A9-related condition. Last evaluated: 2019-12-09. Review status: no assertion criteria provided. Collection method: clinical testing. Allele origin: germline. Not counted in ClinVar's aggregate classification.
Comment: This variant is classified as likely benign based on ACMG/AMP sequence variant interpretation guidelines (Richards et al. 2015 PMID: 25741868, with internal and published modifications).